The following is an entry in ClinVar:

ClinVar aggregate classification (germline): Uncertain significance (1 of 4 stars; one submission).

Conditions:
Inborn genetic diseases. Identifiers: MedGen C0950123, MeSH D030342.

gnomAD v4.1: 4 of 1,611,292 alleles (0.00025%); no homozygotes.

Submission:

Ambry Genetics
Classification: Uncertain significance for Inborn genetic diseases. Last evaluated: 2021-11-16. Review status: criteria provided, single submitter. Criteria: Ambry Variant Classification Scheme 2023. Collection method: clinical testing. Allele origin: germline.
Comment: The p.E312V variant (also known as c.935A>T), located in coding exon 9 of the MDH2 gene, results from an A to T substitution at nucleotide position 935. The glutamic acid at codon 312 is replaced by valine, an amino acid with dissimilar properties. This amino acid position is conserved. In addition, this alteration is predicted to be deleterious by in silico analysis. Since supporting evidence is limited at this time, the clinical significance of this alteration remains unclear.

NM_005918.4(MDH2):c.935A>T (p.Glu312Val)

Gene: MDH2 (malate dehydrogenase 2; plus strand). Cytogenetic location: 7q11.23.
Variant type: single nucleotide variant.
Coding change: c.935A>T on transcript NM_005918.4 (MANE Select); coding-DNA position 935, A replaced by T.
Protein change: p.Glu312Val; replaces glutamic acid 312 with valine.
Molecular consequence: missense variant.
Genome position (GRCh38, 1-based): chr7:76,066,328, A>T. VCF-style: chr7-76066328-A-T. GRCh37 (hg19) VCF-style: chr7-75695646-A-T.
Other names: c.809A>T, p.Glu270Val (NM_001282403.2); c.614A>T, p.Glu205Val (NM_001282404.2); short protein forms E312V, E205V, E270V.
Identifiers: ClinVar variation 1766671 (VCV001766671.2), dbSNP rs781941479, ClinGen allele CA367769849.
Genomic context (GRCh38, chr7:76,066,328, plus strand): 5'-ATCTCCCTCAGAAAAAGGGCATCGAGAAGAACCTGGGCATCGGCAAAGTCTCCTCTTTTG[A>T]GGAGAAGATGATCTCGGATGCCATCCCCGAGCTGAAGGCCTCCATCAAGAAGGGGGAAGA-3'
Protein context (NP_005909.2, residues 302-322): NLGIGKVSSF[Glu312Val]EKMISDAIPE